The following is an entry in ClinVar:

ClinVar aggregate classification (germline): Likely benign. Review status: criteria provided, multiple submitters, no conflicts (2 of 4 stars). 3 submissions from 3 submitters: Likely benign (3). Last evaluated 2025-12-05.

Conditions:
PRPF8-related disorder. Also called: PRPF8-related condition.

Allele frequency attached by ClinVar (database versions not stated): ExAC 0.00001; gnomAD 0.00001; gnomAD exomes 0.00001 and 0.00004; TOPMed 0.00003.
gnomAD v4.1: 21 of 1,613,920 alleles (0.0013%); highest among the groups gnomAD compares: Admixed American, 0.027%; no homozygotes.

Submissions (3):

PreventionGenetics, part of Exact Sciences
Classification: Likely benign for PRPF8-related condition. Last evaluated: 2025-12-05. Review status: criteria provided, single submitter. Criteria: ACMG Guidelines, 2015. Collection method: clinical testing. Allele origin: germline.
Comment: This variant is classified as likely benign based on ACMG/AMP sequence variant interpretation guidelines (Richards et al. 2015 PMID: 25741868, with internal and published modifications).

Labcorp Genetics (formerly Invitae), Labcorp
Classification: Likely benign. Last evaluated: 2025-04-14. Review status: criteria provided, single submitter. Criteria: Invitae Variant Classification Sherloc (09022015). Collection method: clinical testing. Allele origin: germline.

Blueprint Genetics
Classification: Likely benign. Last evaluated: 2022-09-12. Review status: criteria provided, single submitter. Criteria: ACMG Guidelines, 2015. Collection method: clinical testing. Allele origin: germline.

NM_006445.4(PRPF8):c.3936C>G (p.Pro1312=)

Gene: PRPF8 (pre-mRNA processing factor 8; minus strand). Cytogenetic location: 17p13.3.
Variant type: single nucleotide variant.
Coding change: c.3936C>G on transcript NM_006445.4 (MANE Select); coding-DNA position 3936, C replaced by G.
Protein change: p.Pro1312=; no amino-acid change (proline 1312 retained).
Molecular consequence: synonymous variant.
Genome position (GRCh38, 1-based): chr17:1,661,992, G>C on the plus strand (C>G on the coding strand, the complement: PRPF8 is on the minus strand). VCF-style: chr17-1661992-G-C. GRCh37 (hg19) VCF-style: chr17-1565286-G-C.
Other names: c.3936C>G (NM_006445.3).
Identifiers: ClinVar variation 1136993 (VCV001136993.9), dbSNP rs747888185, ClinGen allele CA8271767.